The following is an entry in ClinVar:

ClinVar aggregate classification (germline): Likely benign (1 of 4 stars; one submission).

Submission:

CeGaT Center for Human Genetics Tuebingen
Classification: Likely benign. Last evaluated: 2022-06-01. Review status: criteria provided, single submitter. Criteria: CeGaT Center For Human Genetics Tuebingen Variant Classification Criteria Version 2. Collection method: clinical testing. Allele origin: germline. Affected: yes. Observed: 1 variant allele.
Comment: NBPF12: BP4, BP7

Single allele

Gene: NBPF12 (NBPF member 12; plus strand). Cytogenetic location: 1q21.1.
Variant type: single nucleotide variant.
Identifiers: ClinVar variation 2639119 (VCV002639119.19), dbSNP rs1556126188, ClinGen allele CA420568218.